The following is an entry in ClinVar:

NM_024675.4(PALB2):c.48+27G>T

Gene: PALB2 (partner and localizer of BRCA2; minus strand). Cytogenetic location: 16p12.2.
Variant type: single nucleotide variant.
Coding change: c.48+27G>T on transcript NM_024675.4 (MANE Select); 27 bases into the intron after coding-DNA position 48, G replaced by T.
Molecular consequence: intron variant.
Genome position (GRCh38, 1-based): chr16:23,641,083, C>A on the plus strand (G>T on the coding strand, the complement: PALB2 is on the minus strand). VCF-style: chr16-23641083-C-A. GRCh37 (hg19) VCF-style: chr16-23652404-C-A.
Identifiers: ClinVar variation 126751 (VCV000126751.3), dbSNP rs515726119, ClinGen allele CA269630.

ClinVar aggregate classification (germline): Likely benign (0 of 4 stars; one submission).

Conditions:
Familial cancer of breast. Also called: BREAST CANCER, FAMILIAL; hereditary breast carcinoma; Hereditary breast cancer. Identifiers: Orphanet 227535, MedGen C0346153, MONDO:0016419, OMIM 114480. Disease mechanism: loss of function.

Allele frequency attached by ClinVar (database versions not stated): TOPMed 0.00003; gnomAD exomes 0.00004 and 0.00006; ExAC 0.00005; gnomAD 0.00006.
gnomAD v4.1: 102 of 1,611,130 alleles (0.0063%); highest among the groups gnomAD compares: Non-Finnish European, 0.0075%; no homozygotes.

Submission:

Leiden Open Variation Database
Classification: Likely benign for Familial cancer of breast. Last evaluated: 2019-05-13. Review status: no assertion criteria provided. Collection method: curation. Allele origin: germline. Affected: yes.
Comment: Curators: Marc Tischkowitz, Arleen D. Auerbach. Submitter to LOVD: Marc Tischkowitz.

Literature cited by the submitters: PubMed 22241545.